The following is an entry in ClinVar:

ClinVar aggregate classification (germline): Pathogenic (1 of 4 stars; one submission).

Conditions:
Familial adenomatous polyposis 4 (FAP4). Also called: MSH3-related attenuated familial adenomatous polyposis. Identifiers: Orphanet 480536, MedGen C4310719, MONDO:0044300, OMIM 617100.

Submission:

Myriad Genetics, Inc.
Classification: Pathogenic for Familial adenomatous polyposis 4. Last evaluated: 2026-05-04. Review status: criteria provided, single submitter. Criteria: Myriad Autosomal Dominant, Autosomal Recessive and X-Linked Classification Criteria (2023). Collection method: clinical testing. Allele origin: unknown.
Comment: This variant is considered pathogenic. This variant creates a frameshift predicted to result in premature protein truncation.

NM_002439.5(MSH3):c.1790dup (p.Ser598fs)

Gene: MSH3 (mutS homolog 3; plus strand). Cytogenetic location: 5q14.1.
Variant type: Duplication.
Coding change: c.1790dup on transcript NM_002439.5 (MANE Select); coding-DNA position 1790, one base duplicated (T; older notation c.1790dupT).
Protein change: p.Ser598fs; shifts the reading frame from serine 598.
Molecular consequence: frameshift variant.
Genome position (GRCh38, 1-based): chr5:80,761,572, T duplicated. VCF-style (leftmost placement, unchanged base first): chr5-80761571-G-GT. GRCh37 (hg19) VCF-style: chr5-80057390-G-GT.
Other names: short protein forms S598fs.
Identifiers: ClinVar variation 4876030 (VCV004876030.1).
Genomic context (GRCh38, chr5:80,761,571, plus strand): 5'-CATATCTGATTATTGCTATTACTCTTTTCTCACAGGGAAATAAATGCCCGGCTTGATGCT[G>GT]TATCGGAAGTTCTCCATTCAGAATCTAGTGTGTTTGGTCAGATAGAAAATCATCTACGTA-3'